The following is an entry in ClinVar:

NM_001110556.2(FLNA):c.4334T>G (p.Val1445Gly)

Gene: FLNA (filamin A; minus strand). Cytogenetic location: Xq28.
Variant type: single nucleotide variant.
Coding change: c.4334T>G on transcript NM_001110556.2 (MANE Select); coding-DNA position 4334, T replaced by G.
Protein change: p.Val1445Gly; replaces valine 1445 with glycine.
Molecular consequence: missense variant.
Genome position (GRCh38, 1-based): chrX:154,359,124, A>C on the plus strand (T>G on the coding strand, the complement: FLNA is on the minus strand). VCF-style: chrX-154359124-A-C. GRCh37 (hg19) VCF-style: chrX-153587492-A-C.
Other names: c.4334T>G, p.Val1445Gly (NM_001456.4); short protein forms V1445G.
Identifiers: ClinVar variation 2417546 (VCV002417546.7), dbSNP rs2522737509, ClinGen allele CA415217173.
Genomic context (GRCh38, chrX:154,359,124, plus strand): 5'-GCACGAACCATGCCTGGGCTCAGGCCGGGCCCAGAGCACTTGACCTTGGACGCATCTGTC[A>C]CATCATGCACAGGGACCTTGAAAGGACTGCCTGAGGGTTGGGGCAAAGGGATGGCGGCTG-3'
Protein context (NP_001104026.1, residues 1435-1455): GSPFKVPVHD[Val1445Gly]TDASKVKCSG

ClinVar aggregate classification (germline): Uncertain significance. Review status: criteria provided, multiple submitters, no conflicts (2 of 4 stars). 2 submissions from 2 submitters: Uncertain significance (2). Last evaluated 2025-09-10.

Conditions:
FLNA-related disorder.
Melnick-Needles syndrome (MNS). Also called: MELNICK-NEEDLES OSTEODYSPLASTY; OSTEODYSPLASTY OF MELNICK AND NEEDLES; Melnick-Needles Syndrome (FLNA-MNS). Identifiers: Orphanet 2484, MedGen C0025237, MONDO:0010650, OMIM 309350.
Frontometaphyseal dysplasia (FMD1). Identifiers: Orphanet 1826, MedGen C0265293, MONDO:0015942.
Oto-palato-digital syndrome, type II (OPD2). Also called: FACIOPALATOOSSEOUS SYNDROME; OPD II SYNDROME; Otopalatodigital Syndrome Type 2 (FLNA-OPD2); Otopalatodigital Syndrome, Type II. Identifiers: Orphanet 669, Orphanet 90652, MedGen C1844696, MONDO:0010571, OMIM 304120.
Heterotopia, periventricular, X-linked dominant (PVNH1). Also called: PERIVENTRICULAR NODULAR HETEROTOPIA 1; X-linked periventricular heterotopia; PERIVENTRICULAR NODULAR HETEROTOPIA 4; HETEROTOPIA, PERIVENTRICULAR, 1. Identifiers: Orphanet 2149, Orphanet 82004, MedGen C1848213, MONDO:0010233, OMIM 300049.

Submissions (2):

3billion
Classification: Uncertain significance for FLNA-related disorder. Last evaluated: 2025-09-10. Review status: criteria provided, single submitter. Criteria: ACMG Guidelines, 2015. Collection method: clinical testing. Allele origin: germline. Affected: yes.
Comment: The variant is not observed in the gnomAD v4.1.0 dataset. Predicted Consequence/Location: Missense variant In silico tool predictions suggest damaging effect of the variant on gene or gene product [REVEL: 0.65 (>=0.6, sensitivity 0.68 and specificity 0.92)]. The variant has been reported as of uncertain significance (ClinVar ID: VCV002417546). Different missense changes at the same codon have been reported as of uncertain significance (ClinVar ID: VCV002951097). Therefore, this variant is classified as VUS according to the recommendation of ACMG/AMP guideline.

Labcorp Genetics (formerly Invitae), Labcorp
Classification: Uncertain significance for Oto-palato-digital syndrome, type II; Heterotopia, periventricular, X-linked dominant; Frontometaphyseal dysplasia; Melnick-Needles syndrome. Last evaluated: 2022-02-05. Review status: criteria provided, single submitter. Criteria: Invitae Variant Classification Sherloc (09022015). Collection method: clinical testing. Allele origin: germline.
Comment: This variant has not been reported in the literature in individuals affected with FLNA-related conditions. In summary, the available evidence is currently insufficient to determine the role of this variant in disease. Therefore, it has been classified as a Variant of Uncertain Significance. Advanced modeling of protein sequence and biophysical properties (such as structural, functional, and spatial information, amino acid conservation, physicochemical variation, residue mobility, and thermodynamic stability) performed at Invitae indicates that this missense variant is not expected to disrupt FLNA protein function. This variant is not present in population databases (gnomAD no frequency). This sequence change replaces valine, which is neutral and non-polar, with glycine, which is neutral and non-polar, at codon 1445 of the FLNA protein (p.Val1445Gly).